The following is an entry in ClinVar:

NM_203447.4(DOCK8):c.3145A>G (p.Asn1049Asp)

Gene: DOCK8 (dedicator of cytokinesis 8; plus strand). Cytogenetic location: 9p24.3.
Variant type: single nucleotide variant.
Coding change: c.3145A>G on transcript NM_203447.4 (MANE Select); coding-DNA position 3145, A replaced by G.
Protein change: p.Asn1049Asp; replaces asparagine 1049 with aspartic acid.
Molecular consequence: missense variant.
Genome position (GRCh38, 1-based): chr9:399,170, A>G. VCF-style: chr9-399170-A-G. GRCh37 (hg19) VCF-style: chr9-399170-A-G.
Other names: c.2845A>G, p.Asn949Asp (NM_001190458.2); c.2941A>G, p.Asn981Asp (NM_001193536.2); short protein forms N1049D, N949D, N981D.
Identifiers: ClinVar variation 1004855 (VCV001004855.7), dbSNP rs776369768, ClinGen allele CA4958535.

ClinVar aggregate classification (germline): Uncertain significance (1 of 4 stars; one submission).

Conditions:
Combined immunodeficiency due to DOCK8 deficiency (HIES2). Also called: HIES autosomal recessive; Hyper-IgE recurrent infection syndrome, autosomal recessive; DOCK8 Deficiency; HYPER-IgE RECURRENT INFECTION SYNDROME 2, AUTOSOMAL RECESSIVE; HYPER-IgE SYNDROME 2, AUTOSOMAL RECESSIVE, WITH RECURRENT INFECTIONS. Identifiers: Orphanet 217390, MedGen C4722305, MONDO:0009478, OMIM 243700.

Allele frequency attached by ClinVar (database versions not stated): gnomAD exomes below 0.00001; TOPMed below 0.00001; ExAC 0.00001.
gnomAD v4.1: 4 of 1,613,958 alleles (0.00025%); highest among the groups gnomAD compares: Non-Finnish European, 0.00034%; no homozygotes.

Submission:

Labcorp Genetics (formerly Invitae), Labcorp
Classification: Uncertain significance for Combined immunodeficiency due to DOCK8 deficiency. Last evaluated: 2022-09-01. Review status: criteria provided, single submitter. Criteria: Invitae Variant Classification Sherloc (09022015). Collection method: clinical testing. Allele origin: germline.
Comment: This variant has not been reported in the literature in individuals affected with DOCK8-related conditions. In summary, the available evidence is currently insufficient to determine the role of this variant in disease. Therefore, it has been classified as a Variant of Uncertain Significance. Algorithms developed to predict the effect of missense changes on protein structure and function are either unavailable or do not agree on the potential impact of this missense change (SIFT: "Tolerated"; PolyPhen-2: "Possibly Damaging"; Align-GVGD: "Class C0"). ClinVar contains an entry for this variant (Variation ID: 1004855). This variant is present in population databases (rs776369768, gnomAD 0.0009%). This sequence change replaces asparagine, which is neutral and polar, with aspartic acid, which is acidic and polar, at codon 1049 of the DOCK8 protein (p.Asn1049Asp).